The following is an entry in ClinVar:

NM_139343.3(BIN1):c.1670A>T (p.Glu557Val)

Gene: BIN1 (bridging integrator 1; minus strand). Cytogenetic location: 2q14.3.
Variant type: single nucleotide variant.
Coding change: c.1670A>T on transcript NM_139343.3 (MANE Select); coding-DNA position 1670, A replaced by T.
Protein change: p.Glu557Val; replaces glutamic acid 557 with valine.
Molecular consequence: missense variant.
Genome position (GRCh38, 1-based): chr2:127,050,425, T>A on the plus strand (A>T on the coding strand, the complement: BIN1 is on the minus strand). VCF-style: chr2-127050425-T-A. GRCh37 (hg19) VCF-style: chr2-127808001-T-A.
Other names: c.1670A>T (NM_139343.2); c.1163A>T, p.Glu388Val (NM_001320632.2); c.1301A>T, p.Glu434Val (NM_001320633.2); c.1046A>T, p.Glu349Val (NM_001320634.1); c.1430A>T, p.Glu477Val (NM_001320640.2); c.1577A>T, p.Glu526Val (NM_001320641.2); c.1589A>T, p.Glu530Val (NM_001320642.1); c.1253A>T, p.Glu418Val (NM_004305.4); and 8 more; short protein forms E349V, E373V, E388V, E403V, E418V, E434V, E439V, E446V.
Identifiers: ClinVar variation 1009179 (VCV001009179.9), dbSNP rs774321875, ClinGen allele CA1856958.

ClinVar aggregate classification (germline): Uncertain significance. Review status: criteria provided, multiple submitters, no conflicts (2 of 4 stars). 2 submissions from 2 submitters: Uncertain significance (2). Last evaluated 2025-06-15.

Conditions:
Myopathy, centronuclear, 2 (CNM2). Also called: MYOTUBULAR MYOPATHY, AUTOSOMAL RECESSIVE. Identifiers: Orphanet 169186, MedGen CN031787, MONDO:0009709, OMIM 255200.

Allele frequency attached by ClinVar (database versions not stated): ExAC 0.00001; gnomAD 0.00001; gnomAD exomes below 0.00001; TOPMed 0.00001.
gnomAD v4.1: 2 of 1,613,960 alleles (0.00012%); highest among the groups gnomAD compares: Admixed American, 0.0033%; no homozygotes.

Submissions (2):

Labcorp Genetics (formerly Invitae), Labcorp
Classification: Uncertain significance for Myopathy, centronuclear, 2. Last evaluated: 2025-06-15. Review status: criteria provided, single submitter. Criteria: Invitae Variant Classification Sherloc (09022015). Collection method: clinical testing. Allele origin: germline.
Comment: This sequence change replaces glutamic acid, which is acidic and polar, with valine, which is neutral and non-polar, at codon 557 of the BIN1 protein (p.Glu557Val). This variant is present in population databases (rs774321875, gnomAD 0.003%). This variant has not been reported in the literature in individuals affected with BIN1-related conditions. ClinVar contains an entry for this variant (Variation ID: 1009179). Invitae Evidence Modeling of protein sequence and biophysical properties (such as structural, functional, and spatial information, amino acid conservation, physicochemical variation, residue mobility, and thermodynamic stability) indicates that this missense variant is expected to disrupt BIN1 protein function with a positive predictive value of 80%. In summary, the available evidence is currently insufficient to determine the role of this variant in disease. Therefore, it has been classified as a Variant of Uncertain Significance.

Revvity Omics, Revvity
Classification: Uncertain significance for Myopathy, centronuclear, 2. Last evaluated: 2019-06-14. Review status: criteria provided, single submitter. Criteria: ACMG Guidelines, 2015. Collection method: clinical testing. Allele origin: germline.